The following is an entry in ClinVar:

ClinVar aggregate classification (germline): Conflicting classifications of pathogenicity. Review status: criteria provided, conflicting classifications (1 of 4 stars). 3 submissions from 2 submitters: Uncertain significance (2); Likely benign (1). Last evaluated 2023-01-30.

Conditions:
Inborn genetic diseases. Identifiers: MedGen C0950123, MeSH D030342.
Pancreatic cancer, susceptibility to, 1. Identifiers: Orphanet 1333, MedGen C1847351, MONDO:0011739, OMIM 606856.
Hereditary cancer-predisposing syndrome. Also called: Neoplastic Syndromes, Hereditary; Tumor predisposition; Hereditary Cancer Syndrome; Hereditary neoplastic syndrome. Identifiers: Orphanet 140162, MedGen C0027672, MeSH D009386, MONDO:0015356.

Allele frequency attached by ClinVar (database versions not stated): ExAC 0.00002; gnomAD exomes 0.00003; TOPMed 0.00004; gnomAD 0.00005; ESP Exome Variant Server 0.00008.
gnomAD v4.1: 50 of 1,614,048 alleles (0.0031%); highest among the groups gnomAD compares: Middle Eastern, 0.082%; no homozygotes.

Submissions (3):

Ambry Genetics
Classification: Uncertain significance for Hereditary cancer-predisposing syndrome. Last evaluated: 2023-01-30. Review status: criteria provided, single submitter. Criteria: Ambry General Variant Classification Scheme_2022. Collection method: clinical testing. Allele origin: germline.
Comment: The p.E77Q variant (also known as c.229G>C), located in coding exon 1 of the PALLD gene, results from a G to C substitution at nucleotide position 229. The glutamic acid at codon 77 is replaced by glutamine, an amino acid with highly similar properties. This amino acid position is conserved. In addition, this alteration is predicted to be tolerated by in silico analysis. Since supporting evidence is limited at this time, the clinical significance of this alteration remains unclear.

Ambry Genetics
Classification: Uncertain significance for Inborn genetic diseases. Last evaluated: 2021-09-27. Review status: criteria provided, single submitter. Criteria: Ambry General Variant Classification Scheme_2022. Collection method: clinical testing. Allele origin: germline. Observed: 1 variant allele.

Illumina Laboratory Services, Illumina
Classification: Likely benign for Pancreatic cancer, susceptibility to, 1. Last evaluated: 2018-01-12. Review status: criteria provided, single submitter. Criteria: ICSL Variant Classification Criteria 13 December 2019. Collection method: clinical testing. Allele origin: germline.
Comment: This variant was observed in the ICSL laboratory as part of a predisposition screen in an ostensibly healthy population. It had not been previously curated by ICSL or reported in the Human Gene Mutation Database (HGMD: prior to June 1st, 2018), and was therefore a candidate for classification through an automated scoring system. Utilizing variant allele frequency, disease prevalence and penetrance estimates, and inheritance mode, an automated score was calculated to assess if this variant is too frequent to cause the disease. Based on the score and internal cut-off values, a variant classified as likely benign is not then subjected to further curation. The score for this variant resulted in a classification of likely benign for this disease.

NM_001166108.2(PALLD):c.229G>C (p.Glu77Gln)

Gene: PALLD (palladin, cytoskeletal associated protein; plus strand). Cytogenetic location: 4q32.3.
Variant type: single nucleotide variant.
Coding change: c.229G>C on transcript NM_001166108.2 (MANE Select); coding-DNA position 229, G replaced by C.
Protein change: p.Glu77Gln; replaces glutamic acid 77 with glutamine.
Molecular consequence: missense variant.
Genome position (GRCh38, 1-based): chr4:168,511,733, G>C. VCF-style: chr4-168511733-G-C. GRCh37 (hg19) VCF-style: chr4-169432884-G-C.
Other names: c.229G>C (NM_016081.3); c.229G>C, p.Glu77Gln (NM_016081.4); short protein forms E77Q.
Identifiers: ClinVar variation 902930 (VCV000902930.6), dbSNP rs376732578, ClinGen allele CA3135322.